The following is an entry in ClinVar:

ClinVar aggregate classification (germline): Uncertain significance (1 of 4 stars; one submission).

gnomAD v4.1: 1 of 1,614,010 alleles (0.000062%); highest among the groups gnomAD compares: African/African-American, 0.0013%; no homozygotes.

Submission:

GeneDx
Classification: Uncertain significance. Last evaluated: 2025-11-20. Review status: criteria provided, single submitter. Criteria: GeneDx Variant Classification Process June 2021. Collection method: clinical testing. Allele origin: germline.
Comment: Not observed at significant frequency in large population cohorts (gnomAD); In silico analysis supports that this missense variant has a deleterious effect on protein structure/function; Has not been previously published as pathogenic or benign to our knowledge

NM_001281740.3(FHOD3):c.245A>G (p.Glu82Gly)

Gene: FHOD3 (formin homology 2 domain containing 3; plus strand). Cytogenetic location: 18q12.2.
Variant type: single nucleotide variant.
Coding change: c.245A>G on transcript NM_001281740.3 (MANE Select); coding-DNA position 245, A replaced by G.
Protein change: p.Glu82Gly; replaces glutamic acid 82 with glycine.
Molecular consequence: missense variant.
Genome position (GRCh38, 1-based): chr18:36,355,618, A>G. VCF-style: chr18-36355618-A-G. GRCh37 (hg19) VCF-style: chr18-33935581-A-G.
Other names: c.245A>G, p.Glu82Gly (NM_001281739.3, NM_025135.5); short protein forms E82G.
Identifiers: ClinVar variation 3900516 (VCV003900516.2).
Genomic context (GRCh38, chr18:36,355,618, plus strand): 5'-AGCTCTCTCACAATGGCGCCTACCTGGATTTGGAGGCCACCCTGGCAGAGCAGCGGGATG[A>G]GTTGGAAGGCTTCCAGGATGACGCCGGGTAAGAGCAACTGTTCACCCTGCTGACTGGTCC-3'
Protein context (NP_001268669.1, residues 72-92): LEATLAEQRD[Glu82Gly]LEGFQDDAGR